The following is an entry in ClinVar:

NM_001384474.1(LOXHD1):c.978del (p.Asn326fs)

Gene: LOXHD1 (lipoxygenase homology PLAT domains 1; minus strand). Cytogenetic location: 18q21.1.
Variant type: Deletion.
Coding change: c.978del on transcript NM_001384474.1 (MANE Select); coding-DNA position 978, one base deleted (T; older notation c.978delT).
Protein change: p.Asn326fs; shifts the reading frame from asparagine 326.
Molecular consequence: frameshift variant.
Genome position (GRCh38, 1-based): chr18:46,601,373, A deleted on the plus strand (T on the coding strand, the reverse complement: LOXHD1 is on the minus strand). VCF-style (leftmost placement, unchanged base first): chr18-46601372-TA-T. GRCh37 (hg19) VCF-style: chr18-44181335-TA-T.
Other names: c.978delT (NM_144612.6); c.978del, p.Asn326fs (NM_144612.7); short protein forms N326fs.
Identifiers: ClinVar variation 1073533 (VCV001073533.8), dbSNP rs2144283917, ClinGen allele CA2499225169.
Genomic context (GRCh38, chr18:46,601,372, plus strand): 5'-AGATGTCCGTGCGGCCTCGGTCAAACACGCCGCCCTCCAGGAAGATTTTCCCACTGTTCT[TA>T]TTCCCTCTGGCCCCATACATGACCAAGTAGATTTTGGATTTGGTACCAGCCCCCCGGACA-3'

ClinVar aggregate classification (germline): Pathogenic/Likely pathogenic. Review status: criteria provided, multiple submitters, no conflicts (2 of 4 stars). 2 submissions from 2 submitters: Pathogenic (1); Likely pathogenic (1). Last evaluated 2025-06-13.

Conditions:
Autosomal recessive nonsyndromic hearing loss 77. Identifiers: Orphanet 90636, MedGen C2746083, MONDO:0013119, OMIM 613079.

Submissions (2):

Natera, Inc.
Classification: Likely pathogenic for Autosomal recessive deafness type 77. Last evaluated: 2025-06-13. Review status: criteria provided, single submitter. Criteria: Natera Variant Classification Schema (03/2026). Collection method: clinical testing. Allele origin: germline.
Comment: The c.978delT variant in LOXHD1 is a frameshift variant predicted to shift the reading frame beginning at codon 326 and leads to a stop codon 33 codons downstream. This variant is expected to result in nonsense mediated decay, truncation, or a dysfunctional protein product. This variant is rare in the general population with a frequency below the threshold expected for the associated phenotype(s). Given the available evidence, this variant is classified as Likely Pathogenic.

Labcorp Genetics (formerly Invitae), Labcorp
Classification: Pathogenic. Last evaluated: 2021-01-12. Review status: criteria provided, single submitter. Criteria: Invitae Variant Classification Sherloc (09022015). Collection method: clinical testing. Allele origin: germline.
Comment: For these reasons, this variant has been classified as Pathogenic. This variant has not been reported in the literature in individuals with LOXHD1-related conditions. This variant is not present in population databases (ExAC no frequency). This sequence change creates a premature translational stop signal (p.Asn326Lysfs*33) in the LOXHD1 gene. It is expected to result in an absent or disrupted protein product. Loss-of-function variants in LOXHD1 are known to be pathogenic (PMID: 19732867, 21465660, 25792669).

Literature cited by the submitters: PubMed 19732867 (cited by Labcorp Genetics (formerly Invitae), Labcorp); PubMed 21465660 (cited by Labcorp Genetics (formerly Invitae), Labcorp); PubMed 25792669 (cited by Labcorp Genetics (formerly Invitae), Labcorp).